The following is an entry in ClinVar:

NM_000512.5(GALNS):c.143T>G (p.Val48Gly)

Gene: GALNS (galactosamine (N-acetyl)-6-sulfatase; minus strand). Cytogenetic location: 16q24.3.
Variant type: single nucleotide variant.
Coding change: c.143T>G on transcript NM_000512.5 (MANE Select); coding-DNA position 143, T replaced by G.
Protein change: p.Val48Gly; replaces valine 48 with glycine.
Molecular consequence: missense variant. On other transcripts: intron variant (1).
Genome position (GRCh38, 1-based): chr16:88,842,807, A>C on the plus strand (T>G on the coding strand, the complement: GALNS is on the minus strand). VCF-style: chr16-88842807-A-C. GRCh37 (hg19) VCF-style: chr16-88909215-A-C.
Other names: c.143T>G (NM_000512.4); c.161T>G, p.Val54Gly (NM_001323544.2); c.-311-836T>G (NM_001323543.2); short protein forms V48G, V54G.
Identifiers: ClinVar variation 1048261 (VCV001048261.13), dbSNP rs191519947, ClinGen allele CA8235276.

ClinVar aggregate classification (germline): Pathogenic/Likely pathogenic. Review status: criteria provided, multiple submitters, no conflicts (2 of 4 stars). 7 submissions from 7 submitters: Pathogenic (1); Likely pathogenic (6). Last evaluated 2025-12-14.

Conditions:
GALNS-related disorders.
GALNS-related disorder. Also called: GALNS-related condition.
Morquio syndrome. Also called: Mucopolysaccharidosis type 4; Mucopolysaccharidosis, Type IV; MPS IV; Eccentrochondrodysplasia. Identifiers: Orphanet 582, MedGen C0026707, MONDO:0018938.
Mucopolysaccharidosis, MPS-IV-A (MPS4A). Also called: MORQUIO SYNDROME A; Mucopolysaccharidosis Type IVA; MORQUIO A DISEASE; Morquio syndrome A, mild; mucopolysaccharidosis type 4A; GALACTOSAMINE-6-SULFATASE DEFICIENCY. Identifiers: Orphanet 309297, Orphanet 582, MedGen C0086651, MONDO:0009659, OMIM 253000.

Allele frequency attached by ClinVar (database versions not stated): ESP Exome Variant Server 0.00015.
gnomAD v4.1: 112 of 1,613,126 alleles (0.0069%); highest among the groups gnomAD compares: Non-Finnish European, 0.009%; no homozygotes.

Submissions (7):

Labcorp Genetics (formerly Invitae), Labcorp
Classification: Pathogenic for Mucopolysaccharidosis, MPS-IV-A. Last evaluated: 2025-12-14. Review status: criteria provided, single submitter. Criteria: Invitae Variant Classification Sherloc (09022015). Collection method: clinical testing. Allele origin: germline.
Comment: This sequence change replaces valine, which is neutral and non-polar, with glycine, which is neutral and non-polar, at codon 48 of the GALNS protein (p.Val48Gly). This variant is present in population databases (rs191519947, gnomAD 0.008%). This missense change has been observed in individual(s) with mucopolysaccharidosis type IVA (PMID: 24726177, 32905071, 34387910). ClinVar contains an entry for this variant (Variation ID: 1048261). Invitae Evidence Modeling of protein sequence and biophysical properties (such as structural, functional, and spatial information, amino acid conservation, physicochemical variation, residue mobility, and thermodynamic stability) indicates that this missense variant is expected to disrupt GALNS protein function with a positive predictive value of 95%. For these reasons, this variant has been classified as Pathogenic.

PreventionGenetics, part of Exact Sciences
Classification: Likely pathogenic for GALNS-related condition. Last evaluated: 2024-12-26. Review status: criteria provided, single submitter. Criteria: ACMG Guidelines, 2015. Collection method: clinical testing. Allele origin: germline.
Comment: The GALNS c.143T>G variant is predicted to result in the amino acid substitution p.Val48Gly. This variant was reported along with a second pathogenic variant in multiple individuals with mucopolysaccharidosis IVa (Morrone et al. 2014. PubMed ID: 24726177; Chin et al. 2020. PubMed ID: 32905071). A different missense variant impacting the same amino acid was reported in a study of mucopolysaccharidosis IVa (p.Val48Met - incorrectly reported as p.Asp48Asn in Zanetti et al. 2021. PubMed ID: 34387910). This variant is reported in 0.0086% of alleles in individuals of European (Non-Finnish) descent in gnomAD. This variant is interpreted as likely pathogenic.

Blueprint Genetics
Classification: Likely pathogenic for GALNS-related disorders. Last evaluated: 2024-01-22. Review status: criteria provided, single submitter. Criteria: ACMG Guidelines, 2015. Collection method: clinical testing. Allele origin: germline. Affected: yes. Observed: 5 variant alleles.

Institute of Human Genetics, University of Leipzig Medical Center
Classification: Likely pathogenic for Mucopolysaccharidosis, MPS-IV-A. Last evaluated: 2023-12-04. Review status: criteria provided, single submitter. Criteria: ACMG Guidelines, 2015. Collection method: clinical testing. Allele origin: unknown. Inheritance: Autosomal recessive inheritance. Affected: yes.
Comment: Criteria applied: PM3_STR,PM2_SUP,PP3; Identified as compund heterozygous with NM_000512.5:c.938C>T

Women's Health and Genetics/Laboratory Corporation of America, LabCorp
Classification: Likely pathogenic for Morquio syndrome. Last evaluated: 2021-09-17. Review status: criteria provided, single submitter. Criteria: LabCorp Variant Classification Summary - May 2015. Collection method: clinical testing. Allele origin: germline.
Comment: Variant summary: GALNS c.143T>G (p.Val48Gly) results in a non-conservative amino acid change located in the Sulfatase, N-terminal domain of the encoded protein sequence. Five of five in-silico tools predict a damaging effect of the variant on protein function. The variant allele was found at a frequency of 4.8e-05 in 249368 control chromosomes. This frequency is not significantly higher than expected for a pathogenic variant in GALNS causing Mucopolysaccharidosis Type IVA (Morquio Syndrome A) (4.8e-05 vs 0.002), allowing no conclusion about variant significance. c.143T>G has been reported in the literature in individuals affected with Mucopolysaccharidosis Type IVA (Morquio Syndrome A) who had a second pathogenic variant and low GALNS activity, including a pair of siblings (Morrone_2014, Chin_2020). To our knowledge, no experimental evidence demonstrating an impact on protein function has been reported. One clinical diagnostic laboratory has submitted clinical-significance assessments for this variant to ClinVar after 2014 without evidence for independent evaluation. One laboratory classified the variant as likely pathogenic. Based on the evidence outlined above, the variant was classified as likely pathogenic.

Laboratory of Diagnosis and Therapy of Lysosomal Disorders, University of Padova
Classification: Likely pathogenic for Mucopolysaccharidosis, MPS-IV-A. Last evaluated: 2021-02-01. Review status: criteria provided, single submitter. Criteria: ACMG Guidelines, 2015. Collection method: research. Allele origin: germline. Affected: yes.
Comment: The prevalence of the variant in affected individuals is significantly increased compared with the prevalence in controls (PS4_strong); very low frequency in gnomAD v2.1.1 (PM2_moderate); multiple lines of computational evidence support a deleterious effect on the gene (PP3_supporting)

Institute for Medical Genetics and Human Genetics, Charité - Universitätsmedizin Berlin
Classification: Likely pathogenic. Review status: criteria provided, single submitter. Criteria: ACMG Guidelines, 2015. Collection method: not provided. Allele origin: germline. Affected: yes.

Literature cited by the submitters: PubMed 24726177 (cited by 3 submitters); PubMed 32905071 (cited by 3 submitters); PubMed 34387910 (cited by Labcorp Genetics (formerly Invitae), Labcorp and Laboratory of Diagnosis and Therapy of Lysosomal Disorders, University of Padova); PubMed 30091983 (cited by Women's Health and Genetics/Laboratory Corporation of America, LabCorp).